The following is an entry in ClinVar:

NM_001134363.3(RBM20):c.831C>G (p.Ala277=)

Gene: RBM20 (RNA binding motif protein 20; plus strand). Cytogenetic location: 10q25.2.
Variant type: single nucleotide variant.
Coding change: c.831C>G on transcript NM_001134363.3 (MANE Select); coding-DNA position 831, C replaced by G.
Protein change: p.Ala277=; no amino-acid change (alanine 277 retained).
Molecular consequence: synonymous variant.
Genome position (GRCh38, 1-based): chr10:110,781,440, C>G. VCF-style: chr10-110781440-C-G. GRCh37 (hg19) VCF-style: chr10-112541198-C-G.
Identifiers: ClinVar variation 44027 (VCV000044027.6), dbSNP rs397516624, ClinGen allele CA133417.
Genomic context (GRCh38, chr10:110,781,440, plus strand): 5'-CTCGGGCAGTGTGACCTATGAAGGGCACTACAGCCACACAGGGCAGGATGGTCAAGCTGC[C>G]TTTTCCAAAGATTTTTACGGACCCAACTCCCAAGGTTCACATGTGGCCAGCGGATTTCCA-3'
Protein context (NP_001127835.2, residues 267-287): YSHTGQDGQA[Ala277=]FSKDFYGPNS

ClinVar aggregate classification (germline): Likely benign. Review status: criteria provided, multiple submitters, no conflicts (2 of 4 stars). 2 submissions from 2 submitters: Likely benign (2). Last evaluated 2025-12-16.

Conditions:
Cardiovascular phenotype. Identifiers: MedGen CN230736.

Submissions (2):

Ambry Genetics
Classification: Likely benign for Cardiovascular phenotype. Last evaluated: 2025-12-16. Review status: criteria provided, single submitter. Criteria: Ambry Variant Classification Scheme 2023. Collection method: clinical testing. Allele origin: germline.

Laboratory for Molecular Medicine, Mass General Brigham Personalized Medicine
Classification: Likely benign. Last evaluated: 2012-03-26. Review status: criteria provided, single submitter. Criteria: LMM Criteria. Collection method: clinical testing. Allele origin: germline. Observed: 1 variant allele.
Comment: Ala277Ala in exon 2 of RBM20: This variant is not expected to have clinical sign ificance because it does not alter an amino acid residue and is not located with in the splice consensus sequence. Ala277Ala in exon 2 of RBM20 (allele frequenc y = n/a)